The following is an entry in ClinVar:

ClinVar aggregate classification (germline): Uncertain significance. Review status: criteria provided, single submitter (1 of 4 stars). 2 submissions from 2 submitters: Uncertain significance (1). 1 of the submissions does not count toward it. Last evaluated 2018-04-26.

Conditions:
Hepatic methionine adenosyltransferase deficiency. Also called: MAT I/III DEFICIENCY; Deficiency of methionine adenosyltransferase; Methionine adenosyltransferase deficiency; Isolated Persistent Hypermethioninemia. Identifiers: Orphanet 168598, MedGen C0268621, MeSH C564683, MONDO:0009607, OMIM 250850.
MAT1A-related disorder. Also called: MAT1A-related condition.

Allele frequency attached by ClinVar (database versions not stated): gnomAD exomes 0.00003; ExAC 0.00005.
gnomAD v4.1: 15 of 1,614,136 alleles (0.00093%); highest among the groups gnomAD compares: South Asian, 0.016%; no homozygotes.

Submissions (2):

Labcorp Genetics (formerly Invitae), Labcorp
Classification: Uncertain significance for Hepatic methionine adenosyltransferase deficiency. Last evaluated: 2018-04-26. Review status: criteria provided, single submitter. Criteria: Invitae Variant Classification Sherloc (09022015). Collection method: clinical testing. Allele origin: germline.
Comment: This variant has been reported as heterozygous in an individual affected with hypermethioninemia (PMID: 15935930). In summary, the available evidence is currently insufficient to determine the role of this variant in disease. Therefore, it has been classified as a Variant of Uncertain Significance. Structural studies have shown that this variant resides in the dimer interface of the protein. Variants localized in this region or in the substrate binding site have been associated with the autosomal dominant form of disease due to their disruption of the dimerization of the protein or substrate binding, whereas autosomal recessive variants are located elsewhere in the protein (PMID: 23425511, 26933843, 28748147). Experimental studies have shown that this missense change causes a reduction in MAT enzymatic activity to approximately 20% of the wild-type level (PMID: 20675163). This variant is present in population databases (rs779094715, ExAC 0.04%). This sequence change replaces arginine with tryptophan at codon 249 of the MAT1A protein (p.Arg249Trp). The arginine residue is highly conserved and there is a moderate physicochemical difference between arginine and tryptophan.

PreventionGenetics, part of Exact Sciences
Classification: Uncertain significance for MAT1A-related condition. Last evaluated: 2024-04-03. Review status: no assertion criteria provided. Collection method: clinical testing. Allele origin: germline. Not counted in ClinVar's aggregate classification.
Comment: The MAT1A c.745C>T variant is predicted to result in the amino acid substitution p.Arg249Trp. This variant has been reported in the heterozygous state in an individual with methionine adenosyltransferase deficiency (Table 1, Chien et al. 2005. PubMed ID: 15935930). This variant is reported in 0.023% of alleles in individuals of South Asian descent in gnomAD. An in vitro experimental study suggests this variant reduces methionine adenosyltransferase activity to 20% of wildtype activity (Figure 2, Fernández-Irigoyen et al. 2010. PubMed ID: 20675163). An alternate nucleotide substitution affecting the same amino acid (p.Arg249Gln) has been reported in multiple individuals with methionine adenosyltransferase deficiency (Table 1, Kim et al. 2016. PubMed ID: 26933843). Although we suspect that the c.745C>T (p.Arg249Trp) variant may be pathogenic, at this time, the clinical significance of this variant is uncertain due to the absence of conclusive functional and genetic evidence.

Literature cited by the submitters: PubMed 15935930 (cited by Labcorp Genetics (formerly Invitae), Labcorp); PubMed 23425511 (cited by Labcorp Genetics (formerly Invitae), Labcorp); PubMed 26933843 (cited by Labcorp Genetics (formerly Invitae), Labcorp); PubMed 28748147 (cited by Labcorp Genetics (formerly Invitae), Labcorp); PubMed 20675163 (cited by Labcorp Genetics (formerly Invitae), Labcorp).

NM_000429.3(MAT1A):c.745C>T (p.Arg249Trp)

Gene: MAT1A (methionine adenosyltransferase 1A; minus strand). Cytogenetic location: 10q22.3.
Variant type: single nucleotide variant.
Coding change: c.745C>T on transcript NM_000429.3 (MANE Select); coding-DNA position 745, C replaced by T.
Protein change: p.Arg249Trp; replaces arginine 249 with tryptophan.
Molecular consequence: missense variant.
Genome position (GRCh38, 1-based): chr10:80,276,399, G>A on the plus strand (C>T on the coding strand, the complement: MAT1A is on the minus strand). VCF-style: chr10-80276399-G-A. GRCh37 (hg19) VCF-style: chr10-82036155-G-A.
Other names: short protein forms R249W.
Identifiers: ClinVar variation 575881 (VCV000575881.10), dbSNP rs779094715, ClinGen allele CA5576723.
Genomic context (GRCh38, chr10:80,276,399, plus strand): 5'-AGACAAACCAGGGCTTCGTTCAGAGACAAGAATGCACCTGGGGACCTCCGATGACAAACC[G>A]CCCACTGGGCTGCAGGTGGTAGACGGTGTCTTCGTCCAGGTACTTGGCCGGCACCACGGC-3'
Protein context (NP_000420.1, residues 239-259): DTVYHLQPSG[Arg249Trp]FVIGGPQGDA